The following is an entry in ClinVar:

ClinVar aggregate classification (germline): Uncertain significance. Review status: criteria provided, multiple submitters, no conflicts (2 of 4 stars). 2 submissions from 2 submitters: Uncertain significance (2). Last evaluated 2023-07-17.

Conditions:
Platelet-type bleeding disorder 17 (BDPLT17). Also called: Thrombasthenia-thrombocytopenia, hereditary. Identifiers: Orphanet 721, MedGen C1861194, MONDO:0008553, OMIM 187900.

Allele frequency attached by ClinVar (database versions not stated): ExAC 0.00007; gnomAD 0.00010; gnomAD exomes 0.00010; TOPMed 0.00011; ESP Exome Variant Server 0.00015; 1000 Genomes Project 30x 0.00016; 1000 Genomes Project 0.00020.
gnomAD v4.1: 167 of 1,613,968 alleles (0.01%); highest among the groups gnomAD compares: Admixed American, 0.035%; no homozygotes.

Submissions (2):

Victorian Clinical Genetics Services, Murdoch Childrens Research Institute
Classification: Uncertain significance for Platelet-type bleeding disorder 17. Last evaluated: 2023-07-17. Review status: criteria provided, single submitter. Criteria: ACMG Guidelines, 2015. Collection method: clinical testing. Allele origin: germline. Affected: yes.
Comment: Based on the classification scheme VCGS_Germline_v1.3.4, this variant is classified as VUS-3B. Following criteria are met: 0103 - Dominant negative and loss of function are known mechanisms of disease in this gene and are associated with platelet-type bleeding disorder 17 (MIM#187900) with autosomal dominant and autosomal recessive inheritance, respectively. Variants that lead to absence of the two terminal zinc fingers of GFI1B have been associated with dominant-negative (PMID: 28550182). For missense variants, there is currently no clear association between variant location and mode of inheritance (PMIDs: 34355501, 32633597, 28880435). (I) 0108 - This gene is associated with both recessive and dominant disease (OMIM). (I) 0115 - Variants in this gene are known to have variable expressivity. Variable severity of bleeding has been reported among family members (PMIDs: 23927492, 28041820). (I) 0200 - Variant is predicted to result in a missense amino acid change from arginine to glutamine. (I) 0251 - This variant is heterozygous. (I) 0304 - Variant is present in gnomAD <0.01 (v2 & v3: 36 heterozygotes, 0 homozygotes). (SP) 0502 - Missense variant with conflicting in silico predictions and high conservation. (I) 0600 - Variant is located in the annotated C2H2 type zinc finger domain (DECIPHER). (I) 0705 - No comparable missense variants have previous evidence for pathogenicity. (I) 0809 - Previous evidence of pathogenicity for this variant is inconclusive. This variant has been reported in five individuals with increased mean platelet volume however it is unclear whether they have other clinical features (PMID: 31992710). (I) 0905 - No published segregation evidence has been identified for this variant. (I) 1007 - No published functional evidence has been identified for this variant. (I) 1208 - Inheritance information for this variant is not currently available in this individual. (I) Legend: (SP) - Supporting pathogenic, (I) - Information, (SB) - Supporting benign

Women's Health and Genetics/Laboratory Corporation of America, LabCorp
Classification: Uncertain significance. Last evaluated: 2023-05-22. Review status: criteria provided, single submitter. Criteria: LabCorp Variant Classification Summary - May 2015. Collection method: clinical testing. Allele origin: germline.
Comment: Variant summary: GFI1B c.548G>A (p.Arg183Gln) results in a conservative amino acid change located in the Zinc finger C2H2-type (IPR013087) of the encoded protein sequence. Three of five in-silico tools predict a damaging effect of the variant on protein function. The variant allele was found at a frequency of 9.2e-05 in 251220 control chromosomes. To our knowledge, no occurrence of c.548G>A in individuals affected with Platelet-Type Bleeding Disorder 17 and no experimental evidence demonstrating its impact on protein function have been reported. The following publication have been ascertained in the context of this evaluation (PMID: 34662886). No clinical diagnostic laboratories have submitted clinical-significance assessments for this variant to ClinVar after 2014. Based on the evidence outlined above, the variant was classified as uncertain significance.

Literature cited by the submitters: PubMed 23927492 (cited by Victorian Clinical Genetics Services, Murdoch Childrens Research Institute); PubMed 28041820 (cited by Victorian Clinical Genetics Services, Murdoch Childrens Research Institute); PubMed 28550182 (cited by Victorian Clinical Genetics Services, Murdoch Childrens Research Institute); PubMed 28880435 (cited by Victorian Clinical Genetics Services, Murdoch Childrens Research Institute); PubMed 31992710 (cited by Victorian Clinical Genetics Services, Murdoch Childrens Research Institute); PubMed 32633597 (cited by Victorian Clinical Genetics Services, Murdoch Childrens Research Institute); PubMed 34355501 (cited by Victorian Clinical Genetics Services, Murdoch Childrens Research Institute); PubMed 34662886 (cited by Women's Health and Genetics/Laboratory Corporation of America, LabCorp).

NM_001377304.1(GFI1B):c.548G>A (p.Arg183Gln)

Gene: GFI1B (growth factor independent 1B transcriptional repressor; plus strand). Cytogenetic location: 9q34.13.
Variant type: single nucleotide variant.
Coding change: c.548G>A on transcript NM_001377304.1 (MANE Select); coding-DNA position 548, G replaced by A.
Protein change: p.Arg183Gln; replaces arginine 183 with glutamine.
Molecular consequence: missense variant. On other transcripts: intron variant (2).
Genome position (GRCh38, 1-based): chr9:132,989,098, G>A. VCF-style: chr9-132989098-G-A. GRCh37 (hg19) VCF-style: chr9-135864485-G-A.
Other names: c.548G>A, p.Arg183Gln (NM_001371908.1, NM_004188.8); c.510+630G>A (NM_001135031.2, NM_001377305.1); short protein forms R183Q.
Identifiers: ClinVar variation 2506299 (VCV002506299.2), dbSNP rs148728985, ClinGen allele CA5301990.